The following is an entry in ClinVar:

NM_004415.4(DSP):c.5806C>T (p.Gln1936Ter)

Gene: DSP (desmoplakin; plus strand). Cytogenetic location: 6p24.3.
Variant type: single nucleotide variant.
Coding change: c.5806C>T on transcript NM_004415.4 (MANE Select); coding-DNA position 5806, C replaced by T.
Protein change: p.Gln1936Ter; replaces glutamine 1936 with a stop codon.
Molecular consequence: nonsense.
Genome position (GRCh38, 1-based): chr6:7,583,068, C>T. VCF-style: chr6-7583068-C-T. GRCh37 (hg19) VCF-style: chr6-7583301-C-T.
Other names: c.4009C>T, p.Gln1337Ter (NM_001008844.3); c.4477C>T, p.Gln1493Ter (NM_001319034.2); short protein forms Q1337*, Q1493*, Q1936*.
Identifiers: ClinVar variation 1071031 (VCV001071031.7), dbSNP rs2113698797, ClinGen allele CA362689452.

ClinVar aggregate classification (germline): Pathogenic (1 of 4 stars; one submission).

Conditions:
Arrhythmogenic right ventricular dysplasia 8 (ARVD8). Also called: Arrhythmogenic Right Ventricular Dysplasia/Cardiomyopathy 8; ARRHYTHMOGENIC RIGHT VENTRICULAR DYSPLASIA, FAMILIAL, 8; ARRHYTHMOGENIC RIGHT VENTRICULAR CARDIOMYOPATHY 8. Identifiers: MedGen C1843896, MONDO:0011831, OMIM 607450.
Arrhythmogenic cardiomyopathy with wooly hair and keratoderma. Also called: PALMOPLANTAR KERATODERMA WITH LEFT VENTRICULAR CARDIOMYOPATHY AND WOOLLY HAIR; Carvajal syndrome; Arrhythmogenic cardiomyopathy with woolly hair and keratoderma; Dilated cardiomyopathy with woolly hair and keratoderma. Identifiers: Orphanet 65282, MedGen C1854063, MONDO:0011581, OMIM 605676.

Submission:

Labcorp Genetics (formerly Invitae), Labcorp
Classification: Pathogenic for Arrhythmogenic cardiomyopathy with wooly hair and keratoderma; Arrhythmogenic right ventricular dysplasia 8. Last evaluated: 2025-05-14. Review status: criteria provided, single submitter. Criteria: Invitae Variant Classification Sherloc (09022015). Collection method: clinical testing. Allele origin: germline.
Comment: This sequence change creates a premature translational stop signal (p.Gln1936*) in the DSP gene. While this is not anticipated to result in nonsense mediated decay, it is expected to disrupt the last 936 amino acid(s) of the DSP protein. This variant is not present in population databases (gnomAD no frequency). This variant has not been reported in the literature in individuals affected with DSP-related conditions. ClinVar contains an entry for this variant (Variation ID: 1071031). This variant disrupts a region of the DSP protein in which other variant(s) (p.Glu2728Glyfs*11) have been determined to be pathogenic (internal data). This suggests that this is a clinically significant region of the protein, and that variants that disrupt it are likely to be disease-causing. For these reasons, this variant has been classified as Pathogenic.